The following is an entry in ClinVar:

ClinVar aggregate classification (germline): Uncertain significance. Review status: criteria provided, multiple submitters, no conflicts (2 of 4 stars). 2 submissions from 2 submitters: Uncertain significance (2). Last evaluated 2023-09-21.

Conditions:
Inborn genetic diseases. Identifiers: MedGen C0950123, MeSH D030342.

Allele frequency attached by ClinVar (database versions not stated): TOPMed below 0.00001; gnomAD 0.00001.

Submissions (2):

Ambry Genetics
Classification: Uncertain significance for Inborn genetic diseases. Last evaluated: 2023-09-21. Review status: criteria provided, single submitter. Criteria: Ambry Variant Classification Scheme 2023. Collection method: clinical testing. Allele origin: germline.

GeneDx
Classification: Uncertain significance. Last evaluated: 2022-05-24. Review status: criteria provided, single submitter. Criteria: GeneDx Variant Classification Process June 2021. Collection method: clinical testing. Allele origin: germline. Affected: yes.
Comment: Not observed at significant frequency in large population cohorts (gnomAD); In silico analysis supports that this missense variant does not alter protein structure/function; Has not been previously published as pathogenic or benign to our knowledge

NM_014727.3(KMT2B):c.4648A>G (p.Thr1550Ala)

Gene: KMT2B (lysine methyltransferase 2B; plus strand). Cytogenetic location: 19q13.12.
Variant type: single nucleotide variant.
Coding change: c.4648A>G on transcript NM_014727.3 (MANE Select); coding-DNA position 4648, A replaced by G.
Protein change: p.Thr1550Ala; replaces threonine 1550 with alanine.
Molecular consequence: missense variant.
Genome position (GRCh38, 1-based): chr19:35,728,850, A>G. VCF-style: chr19-35728850-A-G. GRCh37 (hg19) VCF-style: chr19-36219751-A-G.
Other names: c.4648A>G (NM_014727.1); short protein forms T1550A.
Identifiers: ClinVar variation 1800926 (VCV001800926.2), dbSNP rs1374195042, ClinGen allele CA405416219.